The following is an entry in ClinVar:

NM_004168.4(SDHA):c.722_726del (p.Asp241fs)

Gene: SDHA (succinate dehydrogenase complex flavoprotein subunit A; plus strand). Cytogenetic location: 5p15.33.
Variant type: Deletion.
Coding change: c.722_726del on transcript NM_004168.4 (MANE Select); coding-DNA positions 722 to 726, 5 bases deleted (ACGGG; older notation c.722_726delACGGG).
Protein change: p.Asp241fs; shifts the reading frame from aspartic acid 241.
Molecular consequence: frameshift variant.
Genome position (GRCh38, 1-based): chr5:228,285-228,289, ACGGG deleted; deleting any 5 consecutive bases within chr5:228,283-228,289 gives the same sequence; the c. name uses the placement nearest the transcript's 3' end. VCF-style (leftmost placement, unchanged base first): chr5-228282-AGGACG-A. GRCh37 (hg19) VCF-style: chr5-228397-AGGACG-A.
Other names: c.722_726delACGGG (NM_004168.2); c.578_582del, p.Asp193fs (NM_001294332.2); c.722_726del, p.Asp241fs (NM_001330758.2); short protein forms D193fs, D241fs.
Identifiers: ClinVar variation 539664 (VCV000539664.11), dbSNP rs1553998229, ClinGen allele CA658796485.
Genomic context (GRCh38, chr5:228,282, plus strand): 5'-TTGCCTTGGATCTCCTGATGGAGAATGGGGAGTGCCGTGGTGTCATCGCACTGTGCATAG[AGGACG>A]GGTCCATCCATCGCATAAGAGCAAAGAACACTGTTGTTGCCACAGGGTAGGAATCTCATT-3'

ClinVar aggregate classification (germline): Pathogenic. Review status: criteria provided, multiple submitters, no conflicts (2 of 4 stars). 3 submissions from 3 submitters: Pathogenic (3). Last evaluated 2023-11-08.

Conditions:
Mitochondrial complex II deficiency, nuclear type 1. Also called: SUCCINATE CoQ REDUCTASE DEFICIENCY. Identifiers: Orphanet 3208, MedGen C5700310, MONDO:0100294, OMIM 252011.
Pheochromocytoma/paraganglioma syndrome 5. Also called: Paragangliomas 5; SDHA-Related Hereditary Paraganglioma-Pheochromocytoma Syndrome. Identifiers: Orphanet 29072, MedGen C3279992, MONDO:0013602, OMIM 614165.
Hereditary cancer-predisposing syndrome. Also called: Neoplastic Syndromes, Hereditary; Tumor predisposition; Hereditary neoplastic syndrome; Hereditary Cancer Syndrome. Identifiers: Orphanet 140162, MedGen C0027672, MeSH D009386, MONDO:0015356.

Submissions (3):

Ambry Genetics
Classification: Pathogenic for Hereditary cancer-predisposing syndrome. Last evaluated: 2023-11-08. Review status: criteria provided, single submitter. Criteria: Ambry Variant Classification Scheme 2023. Collection method: clinical testing. Allele origin: germline.
Comment: The c.722_726delACGGG pathogenic mutation, located in coding exon 6 of the SDHA gene, results from a deletion of 5 nucleotides at nucleotide positions 722 to 726, causing a translational frameshift with a predicted alternate stop codon (p.D241Vfs*78). This variant is considered to be rare based on population cohorts in the Genome Aggregation Database (gnomAD). This alteration is expected to result in loss of function by premature protein truncation or nonsense-mediated mRNA decay. As such, this alteration is interpreted as a disease-causing mutation.

Myriad Genetics, Inc.
Classification: Pathogenic for Pheochromocytoma/paraganglioma syndrome 5. Last evaluated: 2023-09-27. Review status: criteria provided, single submitter. Criteria: Myriad Autosomal Dominant, Autosomal Recessive and X-Linked Classification Criteria (2023). Collection method: clinical testing. Allele origin: unknown.
Comment: This variant is considered pathogenic. This variant creates a frameshift predicted to result in premature protein truncation.

Labcorp Genetics (formerly Invitae), Labcorp
Classification: Pathogenic for Pheochromocytoma/paraganglioma syndrome 5; Mitochondrial complex II deficiency, nuclear type 1. Last evaluated: 2023-08-07. Review status: criteria provided, single submitter. Criteria: Invitae Variant Classification Sherloc (09022015). Collection method: clinical testing. Allele origin: germline.
Comment: For these reasons, this variant has been classified as Pathogenic. ClinVar contains an entry for this variant (Variation ID: 539664). This variant has not been reported in the literature in individuals affected with SDHA-related conditions. This variant is not present in population databases (gnomAD no frequency). This sequence change creates a premature translational stop signal (p.Asp241Valfs*78) in the SDHA gene. It is expected to result in an absent or disrupted protein product. Loss-of-function variants in SDHA are known to be pathogenic (PMID: 22974104, 24781757).

Literature cited by the submitters: PubMed 22974104 (cited by Labcorp Genetics (formerly Invitae), Labcorp); PubMed 24781757 (cited by Labcorp Genetics (formerly Invitae), Labcorp).